The following is an entry in ClinVar:

NM_014727.3(KMT2B):c.5280C>T (p.Cys1760=)

Gene: KMT2B (lysine methyltransferase 2B; plus strand). Cytogenetic location: 19q13.12.
Variant type: single nucleotide variant.
Coding change: c.5280C>T on transcript NM_014727.3 (MANE Select); coding-DNA position 5280, C replaced by T.
Protein change: p.Cys1760=; no amino-acid change (cysteine 1760 retained).
Molecular consequence: synonymous variant.
Genome position (GRCh38, 1-based): chr19:35,730,710, C>T. VCF-style: chr19-35730710-C-T. GRCh37 (hg19) VCF-style: chr19-36221611-C-T.
Identifiers: ClinVar variation 2061138 (VCV002061138.28), dbSNP rs757681394, ClinGen allele CA9385374.
Genomic context (GRCh38, chr19:35,730,710, plus strand): 5'-ACTCCATAGCTGGATCCCATTTCCCAAGCATCCTAACCGTCTTATCCCACATGCCAGGTG[C>T]TCCCGTCTGTACTGGAGCACAGTGGATGCTCGGAGGCGCTGCTGGTATCGGTGCCGAATT-3'
Protein context (NP_055542.1, residues 1750-1770): EGRLFPIGYQ[Cys1760=]SRLYWSTVDA

ClinVar aggregate classification (germline): Likely benign. Review status: criteria provided, multiple submitters, no conflicts (2 of 4 stars). 2 submissions from 2 submitters: Likely benign (2). Last evaluated 2024-10-15.

Allele frequency attached by ClinVar (database versions not stated): gnomAD 0.00001; gnomAD exomes 0.00003; ExAC 0.00006; TOPMed 0.00006.
gnomAD v4.1: 44 of 1,613,834 alleles (0.0027%); highest among the groups gnomAD compares: Non-Finnish European, 0.0034%; no homozygotes.

Submissions (2):

Labcorp Genetics (formerly Invitae), Labcorp
Classification: Likely benign. Last evaluated: 2024-10-15. Review status: criteria provided, single submitter. Criteria: Invitae Variant Classification Sherloc (09022015). Collection method: clinical testing. Allele origin: germline.

CeGaT Center for Human Genetics Tuebingen
Classification: Likely benign. Last evaluated: 2024-02-01. Review status: criteria provided, single submitter. Criteria: CeGaT Center For Human Genetics Tuebingen Variant Classification Criteria Version 2. Collection method: clinical testing. Allele origin: germline. Affected: yes. Observed: 2 variant alleles.
Comment: KMT2B: BP4, BP7